The following is an entry in ClinVar:

NM_001018115.3(FANCD2):c.1003C>T (p.Gln335Ter)

Genes: FANCD2 (FA complementation group D2; plus strand), LOC107303338 (3p25 FANCD2 Alu-mediated recombination region; plus strand). Cytogenetic location: 3p25.3.
Variant type: single nucleotide variant.
Coding change: c.1003C>T on transcript NM_001018115.3 (MANE Select); coding-DNA position 1003, C replaced by T.
Protein change: p.Gln335Ter; replaces glutamine 335 with a stop codon.
Molecular consequence: nonsense.
Genome position (GRCh38, 1-based): chr3:10,043,497, C>T. VCF-style: chr3-10043497-C-T. GRCh37 (hg19) VCF-style: chr3-10085181-C-T.
Other names: c.1003C>T, p.Gln335Ter (NM_001319984.2, NM_001374253.1, NM_001374254.1 and 1 more transcripts); short protein forms Q335*.
Identifiers: ClinVar variation 2769366 (VCV002769366.3), dbSNP rs2086917516, ClinGen allele CA351730457.
Genomic context (GRCh38, chr3:10,043,497, plus strand): 5'-TTTCTGGTACGTAGAAGAGTAATTTTTTTCCTCTCTGCTACTTGTAGTTCCTCAGGAAAT[C>T]AAGAAAGCAGCGGTCAGAGCTGTATTATTCTCCTCTTTGATGTAATAAAGTCAGCTATTA-3'

ClinVar aggregate classification (germline): Pathogenic (1 of 4 stars; one submission).

Conditions:
Fanconi anemia (FA). Also called: Fanconi's anemia. Identifiers: Orphanet 84, MedGen C0015625, MeSH D005199, MONDO:0019391.

Submission:

Labcorp Genetics (formerly Invitae), Labcorp
Classification: Pathogenic for Fanconi anemia. Last evaluated: 2023-10-17. Review status: criteria provided, single submitter. Criteria: Invitae Variant Classification Sherloc (09022015). Collection method: clinical testing. Allele origin: germline.
Comment: This sequence change creates a premature translational stop signal (p.Gln335*) in the FANCD2 gene. It is expected to result in an absent or disrupted protein product. Loss-of-function variants in FANCD2 are known to be pathogenic (PMID: 17436244). This variant is not present in population databases (gnomAD no frequency). This variant has not been reported in the literature in individuals affected with FANCD2-related conditions. Algorithms developed to predict the effect of sequence changes on RNA splicing suggest that this variant may disrupt the consensus splice site. For these reasons, this variant has been classified as Pathogenic.

Literature cited by the submitters: PubMed 17436244.